The following is an entry in ClinVar:

ClinVar aggregate classification (germline): conflicting data from submitters (0 of 4 stars; one submission).

Submission:

ISCA site 1
Classification: conflicting data from submitters. Last evaluated: 2015-05-07. Review status: no assertion criteria provided. Collection method: clinical testing. Allele origin: paternal, unknown. Affected: yes. Observed: 2 variant alleles.
Comment: Uncertain significance(1), Likely benign (1)

Copy number variation identified through the course of routine clinical cytogenomic testing in postnatal populations, with clinical assertions as classified by the original submitter. For data from the original published study, Kaminsky, et al. 2011 (PubMed 21844811), please see nstd101.

GRCh37/hg19 6q14.2-14.3(chr6:84364140-85044270)x3

Genes: CEP162 (centrosomal protein 162; minus strand), CYB5R4 (cytochrome b5 reductase 4; plus strand), MRAP2 (melanocortin 2 receptor accessory protein 2; plus strand), RIPPLY2 (ripply transcriptional repressor 2; plus strand), SNAP91 (synaptosome associated protein 91; minus strand). Cytogenetic location: 6q14.2-14.3.
Variant type: copy number gain.
Change: copy number 3 (three copies instead of two) of chr6:84,364,140-85,044,270 (680.1 kb, GRCh37 coordinates, 1-based), cytogenetic band 6q14.2-14.3.
Identifiers: ClinVar variation 442516 (VCV000442516.3).